The following is an entry in ClinVar:

NM_001005242.3(PKP2):c.980G>A (p.Gly327Glu)

Gene: PKP2 (plakophilin 2; minus strand). Cytogenetic location: 12p11.21.
Variant type: single nucleotide variant.
Coding change: c.980G>A on transcript NM_001005242.3 (MANE Select); coding-DNA position 980, G replaced by A.
Protein change: p.Gly327Glu; replaces glycine 327 with glutamic acid.
Molecular consequence: missense variant.
Genome position (GRCh38, 1-based): chr12:32,877,900, C>T on the plus strand (G>A on the coding strand, the complement: PKP2 is on the minus strand). VCF-style: chr12-32877900-C-T. GRCh37 (hg19) VCF-style: chr12-33030834-C-T.
Other names: c.980G>A, p.Gly327Glu (NM_004572.4); short protein forms G327E.
Identifiers: ClinVar variation 382804 (VCV000382804.20), dbSNP rs759660796, ClinGen allele CA039819.
Genomic context (GRCh38, chr12:32,877,900, plus strand): 5'-ACTTACCCCAGCTGGGAGTCAGTGAAAGTGCTTCTCTCAGTGAGCAGATTCCCACTTCCC[C>T]CTGCGGCCGCCTGGCCGACAGTCAAGTGCGCTCTCCTCCCGCTGGAATCCACGGCGACAC-3'
Protein context (NP_001005242.2, residues 317-337): AHLTVGQAAA[Gly327Glu]GSGNLLTERS

ClinVar aggregate classification (germline): Uncertain significance. Review status: criteria provided, multiple submitters, no conflicts (2 of 4 stars). 8 submissions from 8 submitters: Uncertain significance (8). Last evaluated 2026-07-19.

Conditions:
Cardiovascular phenotype. Identifiers: MedGen CN230736.
Arrhythmogenic right ventricular cardiomyopathy (ARVD). Also called: Cardiomyopathy, ARVC; Arrhythmogenic right ventricular dysplasia; Arrhythmogenic Right Ventricular Cardiomyopathy (ARVC); Arrhythmogenic cardiomyopathy. Identifiers: Orphanet 247, MedGen C0349788, MeSH D019571, MONDO:0016587. Disease mechanism: loss of function. Inheritance: Various modes of inheritance.
Cardiomyopathy (CMYO). Also called: Cardiomyopathies. Identifiers: Orphanet 167848, MedGen C0878544, MONDO:0004994, HP:0001638. Inheritance: Various modes of inheritance.
Arrhythmogenic right ventricular dysplasia 9 (ARVD9). Also called: Arrhythmogenic Right Ventricular Dysplasia/Cardiomyopathy 9; ARRHYTHMOGENIC RIGHT VENTRICULAR DYSPLASIA, FAMILIAL, 9. Identifiers: MedGen C1836906, MONDO:0012180, OMIM 609040.

Allele frequency attached by ClinVar (database versions not stated): TOPMed 0.00003.
gnomAD v4.1: 6 of 1,614,048 alleles (0.00037%); highest among the groups gnomAD compares: East Asian, 0.0045%; no homozygotes.

Submissions (8):

Ambry Genetics
Classification: Uncertain significance for Cardiovascular phenotype. Last evaluated: 2026-07-19. Review status: criteria provided, single submitter. Criteria: Ambry Variant Classification Scheme 2023. Collection method: clinical testing. Allele origin: germline.

Labcorp Genetics (formerly Invitae), Labcorp
Classification: Uncertain significance for Arrhythmogenic right ventricular dysplasia 9. Last evaluated: 2025-01-19. Review status: criteria provided, single submitter. Criteria: Invitae Variant Classification Sherloc (09022015). Collection method: clinical testing. Allele origin: germline.
Comment: This sequence change replaces glycine, which is neutral and non-polar, with glutamic acid, which is acidic and polar, at codon 327 of the PKP2 protein (p.Gly327Glu). This variant is present in population databases (rs759660796, gnomAD 0.0009%). This variant has not been reported in the literature in individuals affected with PKP2-related conditions. ClinVar contains an entry for this variant (Variation ID: 382804). An algorithm developed to predict the effect of missense changes on protein structure and function (PolyPhen-2) suggests that this variant is likely to be tolerated. In summary, the available evidence is currently insufficient to determine the role of this variant in disease. Therefore, it has been classified as a Variant of Uncertain Significance.

Women's Health and Genetics/Laboratory Corporation of America, LabCorp
Classification: Uncertain significance. Last evaluated: 2024-06-11. Review status: criteria provided, single submitter. Criteria: LabCorp Variant Classification Summary - May 2015. Collection method: clinical testing. Allele origin: germline.
Comment: Variant summary: PKP2 c.980G>A (p.Gly327Glu) results in a non-conservative amino acid change in the encoded protein sequence. Four of five in-silico tools predict a benign effect of the variant on protein function. The variant allele was found at a frequency of 4e-06 in 249940 control chromosomes (gnomAD). The available data on variant occurrences in the general population are insufficient to allow any conclusion about variant significance. To our knowledge, no occurrence of c.980G>A in individuals affected with Arrhythmogenic Right Ventricular Dysplasia/Cardiomyopathy and no experimental evidence demonstrating its impact on protein function have been reported. ClinVar contains an entry for this variant (Variation ID: 382804). Based on the evidence outlined above, the variant was classified as uncertain significance.

Color Diagnostics, LLC DBA Color Health
Classification: Uncertain significance for Cardiomyopathy. Last evaluated: 2024-03-06. Review status: criteria provided, single submitter. Criteria: ACMG Guidelines, 2015. Collection method: clinical testing. Allele origin: germline.
Comment: This missense variant replaces glycine with glutamic acid at codon 327 of the PKP2 protein. Computational prediction suggests that this variant may not impact protein structure and function (internally defined REVEL score threshold <= 0.5, PMID: 27666373). To our knowledge, functional studies have not been reported for this variant. This variant has not been reported in individuals affected with cardiovascular disorders in the literature. This variant has been identified in 1/249940 chromosomes in the general population by the Genome Aggregation Database (gnomAD). The available evidence is insufficient to determine the role of this variant in disease conclusively. Therefore, this variant is classified as a Variant of Uncertain Significance.

All of Us Research Program, National Institutes of Health
Classification: Uncertain significance for Arrhythmogenic right ventricular cardiomyopathy. Last evaluated: 2023-11-30. Review status: criteria provided, single submitter. Criteria: ACMG Guidelines, 2015. Collection method: clinical testing. Allele origin: germline. Inheritance: Autosomal dominant inheritance. Observed: 1 variant allele, 1 heterozygote.
Comment: This missense variant replaces glycine with glutamic acid at codon 327 of the PKP2 protein. Computational prediction suggests that this variant may not impact protein structure and function (internally defined REVEL score threshold <= 0.5, PMID: 27666373). To our knowledge, functional studies have not been reported for this variant. This variant has not been reported in individuals affected with cardiovascular disorders in the literature. This variant has been identified in 1/249940 chromosomes in the general population by the Genome Aggregation Database (gnomAD). The available evidence is insufficient to determine the role of this variant in disease conclusively. Therefore, this variant is classified as a Variant of Uncertain Significance.

This study involves interpretation of variants in research participants for the purpose of population health screening. Participant phenotype was not available at the time of variant classification. Additional details can be found in publication PMID: 35346344, PMCID: PMC8962531

Blueprint Genetics
Classification: Uncertain significance. Last evaluated: 2022-05-27. Review status: criteria provided, single submitter. Criteria: ACMG Guidelines, 2015. Collection method: clinical testing. Allele origin: germline.

CHEO Genetics Diagnostic Laboratory, Children's Hospital of Eastern Ontario
Classification: Uncertain significance for Cardiomyopathy. Last evaluated: 2020-01-24. Review status: criteria provided, single submitter. Criteria: ACMG Guidelines, 2015. Collection method: clinical testing. Allele origin: germline.

GeneDx
Classification: Uncertain significance. Last evaluated: 2017-01-09. Review status: criteria provided, single submitter. Criteria: GeneDx Variant Classification (06012015). Collection method: clinical testing. Allele origin: germline. Affected: yes.
Comment: The G327E variant of uncertain significance in the PKP2 gene has not been published as a pathogenic variant or been reported as a benign variant to our knowledge. This variant has not been observed at a significant frequency in large population cohorts (Lek et al., 2016; McVean et al., 2012; Exome Variant Server; Exome Aggregation Consortium). The G327E variant is a non-conservative amino acid substitution, which is likely to impact secondary protein structure as these residues differ in polarity, charge, size and/or other properties. Nevertheless, this substitution occurs at a position that is not conserved. Furthermore, in silico analysis predicts this variant likely does not alter the protein structure/function. Additionally, only one missense variant in a nearby residue (G328R) has been reported in the Human Gene Mutation Database in association with ARVC (Stenson et al., 2014).